The following is an entry in ClinVar:

ClinVar aggregate classification (germline): Uncertain significance (1 of 4 stars; one submission).

Conditions:
SIM1-related disorder. Also called: SIM1-related disorders; SIM1-related condition.

gnomAD v4.1: 5 of 1,613,400 alleles (0.00031%); highest among the groups gnomAD compares: African/African-American, 0.0053%; no homozygotes.

Submission:

PreventionGenetics, part of Exact Sciences
Classification: Uncertain significance for SIM1-related condition. Last evaluated: 2025-09-30. Review status: criteria provided, single submitter. Criteria: ACMG Guidelines, 2015. Collection method: clinical testing. Allele origin: germline.
Comment: The SIM1 c.743+3G>A variant is predicted to interfere with splicing. To our knowledge, this variant has not been reported in the literature. This variant is reported in 0.012% of alleles in individuals of African descent in gnomAD. At this time, the clinical significance of this variant is uncertain due to the absence of conclusive functional and genetic evidence.

NM_005068.3(SIM1):c.743+3G>A

Gene: SIM1 (SIM bHLH transcription factor 1; minus strand). Cytogenetic location: 6q16.3.
Variant type: single nucleotide variant.
Coding change: c.743+3G>A on transcript NM_005068.3 (MANE Select); 3 bases into the intron after coding-DNA position 743, G replaced by A.
Molecular consequence: intron variant.
Genome position (GRCh38, 1-based): chr6:100,448,476, C>T on the plus strand (G>A on the coding strand, the complement: SIM1 is on the minus strand). VCF-style: chr6-100448476-C-T. GRCh37 (hg19) VCF-style: chr6-100896352-C-T.
Other names: c.743+3G>A (NM_001374769.1).
Identifiers: ClinVar variation 4989159 (VCV004989159.1).